The following is an entry in ClinVar:

ClinVar aggregate classification (germline): Uncertain significance (1 of 4 stars; one submission).

Conditions:
Anauxetic dysplasia. Identifiers: Orphanet 93347, MedGen C1846796, MONDO:0011773.

gnomAD v4.1: 1 of 700,488 alleles (0.00014%); highest among the groups gnomAD compares: East Asian, 0.0027%; no homozygotes.

Submission:

Labcorp Genetics (formerly Invitae), Labcorp
Classification: Uncertain significance for Anauxetic dysplasia. Last evaluated: 2022-08-21. Review status: criteria provided, single submitter. Criteria: Invitae Variant Classification Sherloc (09022015). Collection method: clinical testing. Allele origin: germline.
Comment: This variant occurs in the RMRP gene, which encodes an RNA molecule that does not result in a protein product. This variant is not present in population databases (gnomAD no frequency). This variant has not been reported in the literature in individuals affected with RMRP-related conditions. Experimental studies and prediction algorithms are not available or were not evaluated, and the functional significance of this variant is currently unknown. Algorithms developed to predict the effect of sequence changes on RNA splicing suggest that this variant may create or strengthen a splice site. In summary, the available evidence is currently insufficient to determine the role of this variant in disease. Therefore, it has been classified as a Variant of Uncertain Significance.

NC_000009.12:g.35657909G>C

Gene: RMRP (RNA component of mitochondrial RNA processing endoribonuclease; minus strand). Cytogenetic location: 9p13.3.
Variant type: single nucleotide variant.
Genome position: GRCh38 VCF-style: chr9-35657909-G-C. GRCh37 (hg19) VCF-style: chr9-35657906-G-C.
Identifiers: ClinVar variation 2159648 (VCV002159648.1), dbSNP rs1198937575, ClinGen allele CA464450781.